The following is an entry in ClinVar:

ClinVar aggregate classification (germline): Uncertain significance. Review status: criteria provided, multiple submitters, no conflicts (2 of 4 stars). 2 submissions from 2 submitters: Uncertain significance (2). Last evaluated 2025-04-10.

Conditions:
POLD1-related polyposis and colorectal cancer syndrome (CRCS10). Also called: Colorectal cancer 10; COLORECTAL CANCER, SUSCEPTIBILITY TO, ON CHROMOSOME 19q; Colorectal cancer, susceptibility to, 10. Identifiers: Orphanet 220460, MedGen C2675481, MONDO:0012953, OMIM 612591.
Hereditary cancer-predisposing syndrome. Also called: Tumor predisposition; Hereditary Cancer Syndrome; Hereditary neoplastic syndrome; Neoplastic Syndromes, Hereditary. Identifiers: Orphanet 140162, MedGen C0027672, MeSH D009386, MONDO:0015356.

gnomAD v4.1: 1 of 1,560,958 alleles (0.000064%); highest among the groups gnomAD compares: Non-Finnish European, 0.000087%; no homozygotes.

Submissions (2):

Ambry Genetics
Classification: Uncertain significance for Hereditary cancer-predisposing syndrome. Last evaluated: 2025-04-10. Review status: criteria provided, single submitter. Criteria: Ambry Variant Classification Scheme 2023. Collection method: clinical testing. Allele origin: germline.
Comment: The p.L357M variant (also known as c.1069C>A), located in coding exon 8 of the POLD1 gene, results from a C to A substitution at nucleotide position 1069. The leucine at codon 357 is replaced by methionine, an amino acid with highly similar properties. This amino acid position is highly conserved in available vertebrate species. In addition, this alteration is predicted to be tolerated by in silico analysis. Since supporting evidence is limited at this time, the clinical significance of this alteration remains unclear.

Baylor Genetics
Classification: Uncertain significance for POLD1-related polyposis and colorectal cancer syndrome. Last evaluated: 2023-05-03. Review status: criteria provided, single submitter. Criteria: ACMG Guidelines, 2015. Collection method: clinical testing. Allele origin: unknown.

NM_002691.4(POLD1):c.1069C>A (p.Leu357Met)

Gene: POLD1 (DNA polymerase delta 1, catalytic subunit; plus strand). Cytogenetic location: 19q13.33.
Variant type: single nucleotide variant.
Coding change: c.1069C>A on transcript NM_002691.4 (MANE Select); coding-DNA position 1069, C replaced by A.
Protein change: p.Leu357Met; replaces leucine 357 with methionine.
Molecular consequence: missense variant. On other transcripts: non-coding transcript variant (1).
Genome position (GRCh38, 1-based): chr19:50,403,151, C>A. VCF-style: chr19-50403151-C-A. GRCh37 (hg19) VCF-style: chr19-50906408-C-A.
Other names: c.1069C>A, p.Leu357Met (NM_001256849.1, NM_001308632.1); short protein forms L357M.
Identifiers: ClinVar variation 1782683 (VCV001782683.4), dbSNP rs766467152, ClinGen allele CA406978248.